The following is an entry in ClinVar:

NM_001080467.3(MYO5B):c.3363C>T (p.Ile1121=)

Gene: MYO5B (myosin VB; minus strand). Cytogenetic location: 18q21.1.
Variant type: single nucleotide variant.
Coding change: c.3363C>T on transcript NM_001080467.3 (MANE Select); coding-DNA position 3363, C replaced by T.
Protein change: p.Ile1121=; no amino-acid change (isoleucine 1121 retained).
Molecular consequence: synonymous variant.
Genome position (GRCh38, 1-based): chr18:49,877,796, G>A on the plus strand (C>T on the coding strand, the complement: MYO5B is on the minus strand). VCF-style: chr18-49877796-G-A. GRCh37 (hg19) VCF-style: chr18-47404166-G-A.
Identifiers: ClinVar variation 327029 (VCV000327029.16), dbSNP rs28637129, ClinGen allele CA8960750.

ClinVar aggregate classification (germline): Benign. Review status: criteria provided, multiple submitters, no conflicts (2 of 4 stars). 3 submissions from 3 submitters: Benign (3). Last evaluated 2026-01-25.

Conditions:
Congenital microvillous atrophy (DIAR2). Also called: DAVIDSON DISEASE; MICROVILLUS ATROPHY, CONGENITAL; Microvillus inclusion disease; Diarrhea 2 with microvillus atrophy, with or without cholestasis; CONGENITAL FAMILIAL PROTRACTED DIARRHEA WITH ENTEROCYTE BRUSH-BORDER ABNORMALITIES. Identifiers: Orphanet 2290, MedGen C0341306, MONDO:0009635, OMIM 251850.

Allele frequency attached by ClinVar (database versions not stated): gnomAD 0.00589; TOPMed 0.00686; ESP Exome Variant Server 0.00731; 1000 Genomes Project 0.00839; 1000 Genomes Project 30x 0.00843.
gnomAD v4.1: 1,773 of 1,614,102 alleles (0.11%); highest among the groups gnomAD compares: African/African-American, 2.1%; 22 homozygotes.

Submissions (3):

Labcorp Genetics (formerly Invitae), Labcorp
Classification: Benign. Last evaluated: 2026-01-25. Review status: criteria provided, single submitter. Criteria: Invitae Variant Classification Sherloc (09022015). Collection method: clinical testing. Allele origin: germline.

Illumina Laboratory Services, Illumina
Classification: Benign for Congenital microvillous atrophy. Last evaluated: 2018-01-13. Review status: criteria provided, single submitter. Criteria: ICSL Variant Classification Criteria 13 December 2019. Collection method: clinical testing. Allele origin: germline.
Comment: This variant was observed in the ICSL laboratory as part of a predisposition screen in an ostensibly healthy population. It had not been previously curated by ICSL or reported in the Human Gene Mutation Database (HGMD: prior to June 1st, 2018), and was therefore a candidate for classification through an automated scoring system. Utilizing variant allele frequency, disease prevalence and penetrance estimates, and inheritance mode, an automated score was calculated to assess if this variant is too frequent to cause the disease. Based on the score and internal cut-off values, a variant classified as benign is not then subjected to further curation. The score for this variant resulted in a classification of benign for this disease.

Breakthrough Genomics
Classification: Benign. Review status: criteria provided, single submitter. Criteria: ACMG Guidelines, 2015. Collection method: not provided. Allele origin: germline. Inheritance: Autosomal recessive inheritance. Affected: yes.